The following is an entry in ClinVar:

ClinVar aggregate classification (germline): Uncertain significance (1 of 4 stars; one submission).

Conditions:
Combined oxidative phosphorylation defect type 27. Also called: Combined oxidative phosphorylation deficiency 27. Identifiers: Orphanet 477774, MedGen C5567608, MONDO:0014728, OMIM 616672.

Submission:

Labcorp Genetics (formerly Invitae), Labcorp
Classification: Uncertain significance for Combined oxidative phosphorylation defect type 27. Last evaluated: 2021-10-15. Review status: criteria provided, single submitter. Criteria: Invitae Variant Classification Sherloc (09022015). Collection method: clinical testing. Allele origin: germline.
Comment: A copy number gain of the genomic region encompassing the full coding sequence of the CARS2 gene has been identified. The boundaries of this event are unknown as they extend beyond the assayed region for this gene and therefore may encompass additional genes. As the precise location of this event is unknown, it may be in tandem or it may be located elsewhere in the genome. This variant has not been reported in the literature in individuals affected with CARS2-related conditions. In summary, the available evidence is currently insufficient to determine the role of this variant in disease. Therefore, it has been classified as a Variant of Uncertain Significance.

NC_000013.10:g.(?_111293884)_(111358440_?)dup

Gene: CARS2 (cysteinyl-tRNA synthetase 2, mitochondrial; minus strand). Cytogenetic location: 13q34.
Variant type: Duplication.
Identifiers: ClinVar variation 1450680 (VCV001450680.1).